The following is an entry in ClinVar:

ClinVar aggregate classification (germline): Likely benign. Review status: criteria provided, single submitter (1 of 4 stars). 2 submissions from 2 submitters: Likely benign (1). 1 of the submissions does not count toward it. Last evaluated 2025-12-01.

Conditions:
Ullrich congenital muscular dystrophy 2 (UCMD2). Identifiers: Orphanet 75840, MedGen C4225314, MONDO:0014654, OMIM 616470.
Bethlem myopathy 2 (BTHLM2). Identifiers: Orphanet 536516, Orphanet 610, MedGen C4225313, MONDO:0034022, OMIM 616471.
COL12A1-related disorder. Also called: COL12A1-related condition.

Allele frequency attached by ClinVar (database versions not stated): TOPMed 0.00001; gnomAD exomes 0.00005 and 0.00008; ExAC 0.00008; gnomAD 0.00003.
gnomAD v4.1: 85 of 1,611,706 alleles (0.0053%); highest among the groups gnomAD compares: Middle Eastern, 0.066%; 2 homozygotes.

Submissions (2):

Labcorp Genetics (formerly Invitae), Labcorp
Classification: Likely benign for Bethlem myopathy 2; Ullrich congenital muscular dystrophy 2. Last evaluated: 2025-12-01. Review status: criteria provided, single submitter. Criteria: Invitae Variant Classification Sherloc (09022015). Collection method: clinical testing. Allele origin: germline.

PreventionGenetics, part of Exact Sciences
Classification: Likely benign for COL12A1-related condition. Last evaluated: 2019-06-27. Review status: no assertion criteria provided. Collection method: clinical testing. Allele origin: germline. Not counted in ClinVar's aggregate classification.
Comment: This variant is classified as likely benign based on ACMG/AMP sequence variant interpretation guidelines (Richards et al. 2015 PMID: 25741868, with internal and published modifications).

NM_004370.6(COL12A1):c.8578-4G>A

Gene: COL12A1 (collagen type XII alpha 1 chain; minus strand). Cytogenetic location: 6q13.
Variant type: single nucleotide variant.
Coding change: c.8578-4G>A on transcript NM_004370.6 (MANE Select); 4 bases into the intron before coding-DNA position 8578, G replaced by A.
Molecular consequence: intron variant.
Genome position (GRCh38, 1-based): chr6:75,095,183, C>T on the plus strand (G>A on the coding strand, the complement: COL12A1 is on the minus strand). VCF-style: chr6-75095183-C-T. GRCh37 (hg19) VCF-style: chr6-75804899-C-T.
Other names: c.5086-4G>A (NM_080645.3).
Identifiers: ClinVar variation 719823 (VCV000719823.12), dbSNP rs780000164, ClinGen allele CA3892196.
Genomic context (GRCh38, chr6:75,095,183, plus strand): 5'-TCCAGGTTTTCCTGGCTTCCCACTTGGTCCTGTGACTCCTGGGGAGCCTGGGCTTCCCTA[C>T]AACACATGGAAAGGGAAGGGGACTGTTATGACAAAGGGAAAATCCCATCTAAAGTAAATG-3'